The following is an entry in ClinVar:

ClinVar aggregate classification (germline): Conflicting classifications of pathogenicity. Review status: criteria provided, conflicting classifications (1 of 4 stars). 9 submissions from 9 submitters: Uncertain significance (7); Likely benign (1). 1 of the submissions does not count toward it. Last evaluated 2026-02-03.

Conditions:
Hereditary cancer-predisposing syndrome. Also called: Hereditary Cancer Syndrome; Neoplastic Syndromes, Hereditary; Hereditary neoplastic syndrome; Tumor predisposition. Identifiers: Orphanet 140162, MedGen C0027672, MeSH D009386, MONDO:0015356.
BARD1-related cancer predisposition. Identifiers: MedGen CN377756, MONDO:0700267.
Hereditary breast ovarian cancer syndrome. Also called: BRCA1- and BRCA2-Associated Hereditary Breast and Ovarian Cancer; Hereditary breast and ovarian cancer syndrome; Hereditary breast and/or ovarian cancer syndrome; Breast and ovarian cancer; Hereditary breast and ovarian cancer; Hereditary breast and ovarian cancer syndrome (HBOC). Identifiers: Orphanet 145, MedGen C0677776, MeSH D061325, MONDO:0003582. Disease mechanism: loss of function.
Familial cancer of breast. Also called: BREAST CANCER, FAMILIAL; Hereditary breast cancer; hereditary breast carcinoma. Identifiers: Orphanet 227535, MedGen C0346153, MONDO:0016419, OMIM 114480. Disease mechanism: loss of function.

Allele frequency attached by ClinVar (database versions not stated): TOPMed below 0.00001; gnomAD 0.00001; gnomAD exomes 0.00001.
gnomAD v4.1: 16 of 1,609,936 alleles (0.00099%); highest among the groups gnomAD compares: East Asian, 0.036%; no homozygotes.

Submissions (9):

Labcorp Genetics (formerly Invitae), Labcorp
Classification: Uncertain significance for Familial cancer of breast. Last evaluated: 2026-02-03. Review status: criteria provided, single submitter. Criteria: Invitae Variant Classification Sherloc (09022015). Collection method: clinical testing. Allele origin: germline.
Comment: This sequence change replaces glycine, which is neutral and non-polar, with valine, which is neutral and non-polar, at codon 32 of the BARD1 protein (p.Gly32Val). This variant is not present in population databases (gnomAD no frequency). This variant has not been reported in the literature in individuals affected with BARD1-related conditions. ClinVar contains an entry for this variant (Variation ID: 142728). An algorithm developed to predict the effect of missense changes on protein structure and function (PolyPhen-2) suggests that this variant is likely to be disruptive. Experimental studies have shown that this missense change does not substantially affect BARD1 function (PMID: 26350354). In summary, the available evidence is currently insufficient to determine the role of this variant in disease. Therefore, it has been classified as a Variant of Uncertain Significance.

Color Diagnostics, LLC DBA Color Health
Classification: Likely benign for Hereditary cancer-predisposing syndrome. Last evaluated: 2025-11-24. Review status: criteria provided, single submitter. Criteria: ACMG Guidelines, 2015. Collection method: clinical testing. Allele origin: germline.

Women's Health and Genetics/Laboratory Corporation of America, LabCorp
Classification: Uncertain significance. Last evaluated: 2025-02-11. Review status: criteria provided, single submitter. Criteria: LabCorp Variant Classification Summary - May 2015. Collection method: clinical testing. Allele origin: germline.
Comment: Variant summary: BARD1 c.95G>T (p.Gly32Val) results in a non-conservative amino acid change in the encoded protein sequence. Five of five in-silico tools predict a damaging effect of the variant on protein function. The variant allele was found at a frequency of 6.3e-05 in 1582486 control chromosomes. This frequency is not significantly higher than estimated for a pathogenic variant in BARD1 causing Breast Cancer (6.3e-05 vs 0.00025), allowing no conclusion about variant significance. c.95G>T has been reported in the literature in individuals affected with Colorectal Cancer, as well as controls (Fujita_2020). These report(s) do not provide unequivocal conclusions about association of the variant with Breast Cancer. At least one publication reports experimental evidence evaluating an impact on protein function. The most pronounced variant effect results in >50%-90% of normal homology-directed repair activity (Lee_2015). The following publications have been ascertained in the context of this evaluation (PMID: 30925164, 33309985, 26350354). ClinVar contains an entry for this variant (Variation ID: 142728). Based on the evidence outlined above, the variant was classified as uncertain significance.

Ambry Genetics
Classification: Uncertain significance for Hereditary cancer-predisposing syndrome. Last evaluated: 2024-08-20. Review status: criteria provided, single submitter. Criteria: Ambry Variant Classification Scheme 2023. Collection method: clinical testing. Allele origin: germline.
Comment: The p.G32V variant (also known as c.95G>T), located in coding exon 1 of the BARD1 gene, results from a G to T substitution at nucleotide position 95. The glycine at codon 32 is replaced by valine, an amino acid with dissimilar properties. Functional analyses demonstrates that this alteration retains 87% homology-directed repair function compared to wild-type (Lee C et al. Hum Mutat, 2015 Dec;36:1205-14). This variant has also been identified in 19/12503 unselected Japanese colorectal cancer patients and in 29/23705 controls (Fujita M et al. Clin Gastroenterol Hepatol, 2022 Sep;20:2132-2141.e9). This amino acid position is well conserved in available vertebrate species. In addition, the in silico prediction for this alteration is inconclusive. Based on the available evidence, the clinical significance of this variant remains unclear.

Baylor Genetics
Classification: Uncertain significance for Familial cancer of breast. Last evaluated: 2023-07-24. Review status: criteria provided, single submitter. Criteria: ACMG Guidelines, 2015. Collection method: clinical testing. Allele origin: unknown.

Myriad Genetics, Inc.
Classification: Uncertain significance for Familial cancer of breast. Last evaluated: 2023-02-24. Review status: criteria provided, single submitter. Criteria: Myriad Autosomal Dominant, Autosomal Recessive and X-Linked Classification Criteria (2023). Collection method: clinical testing. Allele origin: unknown.
Comment: This variant is classified as a variant of uncertain significance as there is insufficient evidence to determine its impact on protein function and/or cancer risk.

Department of Pathology and Laboratory Medicine, Sinai Health System
Classification: Uncertain significance for BARD1-related cancer predisposition. Last evaluated: 2022-05-17. Review status: criteria provided, single submitter. Criteria: ACMG Guidelines, 2015. Collection method: research. Allele origin: germline.

Cancer Genomics Group, Japanese Foundation For Cancer Research
Classification: Uncertain significance for Hereditary breast and ovarian cancer syndrome. Last evaluated: 2019-05-01. Review status: criteria provided, single submitter. Criteria: ACMG Guidelines, 2015. Collection method: research. Allele origin: germline. Affected: yes.

Counsyl
Classification: Uncertain significance for Familial cancer of breast. Last evaluated: 2018-03-23. Review status: no assertion criteria provided. Collection method: clinical testing. Allele origin: unknown. Not counted in ClinVar's aggregate classification.

Literature cited by the submitters: PubMed 26350354 (cited by 4 submitters); PubMed 30925164 (cited by Women's Health and Genetics/Laboratory Corporation of America, LabCorp); PubMed 33309985 (cited by Women's Health and Genetics/Laboratory Corporation of America, LabCorp and Ambry Genetics).

NM_000465.4(BARD1):c.95G>T (p.Gly32Val)

Gene: BARD1 (BRCA1 associated RING domain 1; minus strand). Cytogenetic location: 2q35.
Variant type: single nucleotide variant.
Coding change: c.95G>T on transcript NM_000465.4 (MANE Select); coding-DNA position 95, G replaced by T.
Protein change: p.Gly32Val; replaces glycine 32 with valine.
Molecular consequence: missense variant. On other transcripts: non-coding transcript variant (3).
Genome position (GRCh38, 1-based): chr2:214,809,475, C>A on the plus strand (G>T on the coding strand, the complement: BARD1 is on the minus strand). VCF-style: chr2-214809475-C-A. GRCh37 (hg19) VCF-style: chr2-215674199-C-A.
Other names: c.95G>T, p.Gly32Val (NM_001282543.2, NM_001282545.2, NM_001282548.2 and 1 more transcripts); short protein forms G32V.
Identifiers: ClinVar variation 142728 (VCV000142728.24), dbSNP rs587782675, ClinGen allele CA169260.